The following is an entry in ClinVar:

ClinVar aggregate classification (germline): Uncertain significance. Review status: criteria provided, multiple submitters, no conflicts (2 of 4 stars). 2 submissions from 2 submitters: Uncertain significance (2). Last evaluated 2024-07-08.

Conditions:
Inosine triphosphatase deficiency. Also called: INOSINE TRIPHOSPHATE PYROPHOSPHOHYDROLASE DEFICIENCY. Identifiers: MedGen C0342800, MONDO:0013461, OMIM 613850.

Allele frequency attached by ClinVar (database versions not stated): gnomAD exomes 0.00002 and 0.00003; gnomAD 0.00003; TOPMed 0.00004.
gnomAD v4.1: 49 of 1,613,660 alleles (0.003%); highest among the groups gnomAD compares: Middle Eastern, 0.016%; no homozygotes.

Submissions (2):

Labcorp Genetics (formerly Invitae), Labcorp
Classification: Uncertain significance for Inosine triphosphatase deficiency. Last evaluated: 2024-07-08. Review status: criteria provided, single submitter. Criteria: Invitae Variant Classification Sherloc (09022015). Collection method: clinical testing. Allele origin: germline.
Comment: This sequence change replaces proline, which is neutral and non-polar, with leucine, which is neutral and non-polar, at codon 128 of the ITPA protein (p.Pro128Leu). This variant is present in population databases (rs780479868, gnomAD 0.008%). This variant has not been reported in the literature in individuals affected with ITPA-related conditions. ClinVar contains an entry for this variant (Variation ID: 423919). An algorithm developed to predict the effect of missense changes on protein structure and function (PolyPhen-2) suggests that this variant is likely to be disruptive. In summary, the available evidence is currently insufficient to determine the role of this variant in disease. Therefore, it has been classified as a Variant of Uncertain Significance.

GeneDx
Classification: Uncertain significance. Last evaluated: 2017-03-02. Review status: criteria provided, single submitter. Criteria: GeneDx Variant Classification (06012015). Collection method: clinical testing. Allele origin: germline. Affected: yes.
Comment: The P128L variant in the ITPA gene has not been reported previously as a pathogenic variant, nor as a benign variant, to our knowledge. The P128L variant is not observed in large population cohorts (Lek et al., 2016; 1000 Genomes Consortium et al., 2015; Exome Variant Server). The P128L variant is a semi-conservative amino acid substitution, which may impact secondary protein structure as these residues differ in some properties. This substitution occurs at a position that is conserved across species. In silico analysis predicts this variant is probably damaging to the protein structure/function. We interpret P128L as a variant of uncertain significance.

NM_033453.4(ITPA):c.383C>T (p.Pro128Leu)

Genes: ITPA (inosine triphosphatase; plus strand), LOC130065322 (ATAC-STARR-seq lymphoblastoid silent region 12615; plus strand). Cytogenetic location: 20p13.
Variant type: single nucleotide variant.
Coding change: c.383C>T on transcript NM_033453.4 (MANE Select); coding-DNA position 383, C replaced by T.
Protein change: p.Pro128Leu; replaces proline 128 with leucine.
Molecular consequence: missense variant. On other transcripts: non-coding transcript variant (2).
Genome position (GRCh38, 1-based): chr20:3,218,604, C>T. VCF-style: chr20-3218604-C-T. GRCh37 (hg19) VCF-style: chr20-3199250-C-T.
Other names: c.260C>T, p.Pro87Leu (NM_001267623.2); c.46C>T, p.Pro16Ser (NM_001324236.2, NM_001324237.2, NM_001324238.2 and 1 more transcripts); c.383C>T, p.Pro128Leu (NM_001324240.2); c.332C>T, p.Pro111Leu (NM_181493.4); short protein forms P128L, P16S, P87L, P111L.
Identifiers: ClinVar variation 423919 (VCV000423919.9), dbSNP rs780479868, ClinGen allele CA16620919.